The following is an entry in ClinVar:

NM_005188.4(CBL):c.235A>C (p.Asn79His)

Gene: CBL (Cbl proto-oncogene; plus strand). Cytogenetic location: 11q23.3.
Variant type: single nucleotide variant.
Coding change: c.235A>C on transcript NM_005188.4 (MANE Select); coding-DNA position 235, A replaced by C.
Protein change: p.Asn79His; replaces asparagine 79 with histidine.
Molecular consequence: missense variant.
Genome position (GRCh38, 1-based): chr11:119,232,487, A>C. VCF-style: chr11-119232487-A-C. GRCh37 (hg19) VCF-style: chr11-119103197-A-C.
Other names: short protein forms N79H.
Identifiers: ClinVar variation 4994422 (VCV004994422.1).

ClinVar aggregate classification (germline): Uncertain significance (1 of 4 stars; one submission).

Conditions:
CBL-related disorder. Also called: NOONAN SYNDROME-LIKE DISORDER WITHOUT JUVENILE MYELOMONOCYTIC LEUKEMIA; CBL MUTATION-ASSOCIATED SYNDROME; CBL SYNDROME. Identifiers: Orphanet 363972, MedGen C3150803, MONDO:0013308, OMIM 613563.

Submission:

PreventionGenetics, part of Exact Sciences
Classification: Uncertain significance for CBL-related condition. Last evaluated: 2026-09-02. Review status: criteria provided, single submitter. Criteria: ACMG Guidelines, 2015. Collection method: clinical testing. Allele origin: germline.
Comment: The CBL c.235A>C variant is predicted to result in the amino acid substitution p.Asn79His. To our knowledge, this variant has not been reported in the literature or in a large population database (gnomAD), indicating this variant is rare. At this time, the clinical significance of this variant is uncertain due to the absence of conclusive functional and genetic evidence.